The following is an entry in ClinVar:

NM_000057.4(BLM):c.3531C>A (p.Ala1177=)

Gene: BLM (BLM RecQ like helicase; plus strand). Cytogenetic location: 15q26.1.
Variant type: single nucleotide variant.
Coding change: c.3531C>A on transcript NM_000057.4 (MANE Select); coding-DNA position 3531, C replaced by A.
Protein change: p.Ala1177=; no amino-acid change (alanine 1177 retained).
Molecular consequence: synonymous variant. On other transcripts: intron variant (1).
Genome position (GRCh38, 1-based): chr15:90,803,693, C>A. VCF-style: chr15-90803693-C-A. GRCh37 (hg19) VCF-style: chr15-91346923-C-A.
Other names: p.Ala1177=; c.3531C>A, p.Ala1177= (NM_001287246.2); c.2406C>A, p.Ala802= (NM_001287248.2); c.3358+5356C>A (NM_001287247.2).
Identifiers: ClinVar variation 92395 (VCV000092395.48), dbSNP rs2227934, ClinGen allele CA145698.

ClinVar aggregate classification (germline): Benign/Likely benign. Review status: criteria provided, multiple submitters, no conflicts (2 of 4 stars). 16 submissions from 16 submitters: Benign (12); Likely benign (1). 3 of the submissions do not count toward it. Last evaluated 2026-02-04.

Conditions:
BLM-related disorder. Also called: BLM-related condition.
Bloom syndrome (BLM). Also called: Bloom-Torre-Machacek syndrome. Identifiers: Orphanet 125, MedGen C0005859, MONDO:0008876, OMIM 210900.
Hereditary cancer-predisposing syndrome. Also called: Neoplastic Syndromes, Hereditary; Hereditary Cancer Syndrome; Tumor predisposition; Hereditary neoplastic syndrome. Identifiers: Orphanet 140162, MedGen C0027672, MeSH D009386, MONDO:0015356.

Allele frequency attached by ClinVar (database versions not stated): 1000 Genomes Project 0.13319; 1000 Genomes Project 30x 0.13632; TOPMed 0.14927; gnomAD exomes 0.15149 and 0.17014; gnomAD 0.15404 and 0.15517; ExAC 0.15527; ESP Exome Variant Server 0.16272.
gnomAD v4.1: 271,603 of 1,613,558 alleles (17%); highest among the groups gnomAD compares: Non-Finnish European, 18%; 23,763 homozygotes.

Submissions (16):

Labcorp Genetics (formerly Invitae), Labcorp
Classification: Benign for Bloom syndrome. Last evaluated: 2026-02-04. Review status: criteria provided, single submitter. Criteria: Invitae Variant Classification Sherloc (09022015). Collection method: clinical testing. Allele origin: germline.

ARUP Laboratories, Molecular Genetics and Genomics, ARUP Laboratories
Classification: Benign for Bloom syndrome. Last evaluated: 2025-07-28. Review status: criteria provided, single submitter. Criteria: ARUP Molecular Germline Variant Investigation Process 2024. Collection method: clinical testing. Allele origin: germline.

GeneKor MSA
Classification: Benign for Hereditary cancer-predisposing syndrome. Last evaluated: 2025-07-10. Review status: criteria provided, single submitter. Criteria: ACMG Guidelines, 2015. Collection method: clinical testing. Allele origin: germline.

Blueprint Genetics
Classification: Likely benign. Last evaluated: 2024-11-27. Review status: criteria provided, single submitter. Criteria: ACMG Guidelines, 2015. Collection method: clinical testing. Allele origin: germline.

KCCC/NGS Laboratory, Kuwait Cancer Control Center
Classification: Benign for Bloom syndrome. Last evaluated: 2023-07-07. Review status: criteria provided, single submitter. Criteria: ACMG Guidelines, 2015. Collection method: clinical testing. Allele origin: germline. Affected: yes.

Mayo Clinic Laboratories, Mayo Clinic
Classification: Benign. Last evaluated: 2022-09-06. Review status: criteria provided, single submitter. Criteria: ACMG Guidelines, 2015. Collection method: clinical testing. Allele origin: germline. Observed: 85 variant alleles.

Genome-Nilou Lab
Classification: Benign for Bloom syndrome. Last evaluated: 2021-07-01. Review status: criteria provided, single submitter. Criteria: ACMG Guidelines, 2015. Collection method: clinical testing. Allele origin: germline. Affected: no.

Illumina Laboratory Services, Illumina
Classification: Benign for Bloom syndrome. Last evaluated: 2018-01-13. Review status: criteria provided, single submitter. Criteria: ICSL Variant Classification Criteria 13 December 2019. Collection method: clinical testing. Allele origin: germline.
Comment: This variant was observed in the ICSL laboratory as part of a predisposition screen in an ostensibly healthy population. It had not been previously curated by ICSL or reported in the Human Gene Mutation Database (HGMD: prior to June 1st, 2018), and was therefore a candidate for classification through an automated scoring system. Utilizing variant allele frequency, disease prevalence and penetrance estimates, and inheritance mode, an automated score was calculated to assess if this variant is too frequent to cause the disease. Based on the score and internal cut-off values, a variant classified as benign is not then subjected to further curation. The score for this variant resulted in a classification of benign for this disease.

Ambry Genetics
Classification: Benign for Hereditary cancer-predisposing syndrome. Last evaluated: 2016-08-10. Review status: criteria provided, single submitter. Criteria: Ambry Variant Classification Scheme 2023. Collection method: clinical testing. Allele origin: germline.

Laboratory for Molecular Medicine, Mass General Brigham Personalized Medicine
Classification: Benign. Last evaluated: 2016-03-28. Review status: criteria provided, single submitter. Criteria: LMM Criteria. Collection method: clinical testing. Allele origin: germline.
Comment: Variant identified in a genome or exome case(s) and assessed due to predicted null impact of the variant or pathogenic assertions in the literature or databases. Disclaimer: This variant has not undergone full assessment. The following are preliminary notes: Frequency

GeneDx
Classification: Benign. Last evaluated: 2015-03-03. Review status: criteria provided, single submitter. Criteria: GeneDx Variant Classification Process June 2021. Collection method: clinical testing. Allele origin: germline. Affected: yes.

Eurofins Ntd Llc (ga)
Classification: Benign. Last evaluated: 2013-07-29. Review status: criteria provided, single submitter. Criteria: EGL Classification Definitions 2015. Collection method: clinical testing. Allele origin: germline. Observed: 4 variant alleles, 4 heterozygotes.

Breakthrough Genomics
Classification: Benign. Review status: criteria provided, single submitter. Criteria: ACMG Guidelines, 2015. Collection method: not provided. Allele origin: germline. Inheritance: Autosomal recessive inheritance. Affected: yes.

PreventionGenetics, part of Exact Sciences
Classification: Benign for BLM-related condition. Last evaluated: 2022-11-15. Review status: no assertion criteria provided. Collection method: clinical testing. Allele origin: germline. Not counted in ClinVar's aggregate classification.
Comment: This variant is classified as benign based on ACMG/AMP sequence variant interpretation guidelines (Richards et al. 2015 PMID: 25741868, with internal and published modifications).

Natera, Inc.
Classification: Benign for Bloom syndrome. Last evaluated: 2017-03-28. Review status: no assertion criteria provided. Collection method: clinical testing. Allele origin: germline. Not counted in ClinVar's aggregate classification.

Genetic Services Laboratory, University of Chicago
Classification: Likely benign for AllHighlyPenetrant. Review status: no assertion criteria provided. Collection method: clinical testing. Allele origin: germline. Inheritance: Autosomal recessive inheritance. Not counted in ClinVar's aggregate classification.
Comment: Likely benign based on allele frequency in 1000 Genomes Project or ESP global frequency and its presence in a patient with a rare or unrelated disease phenotype. NOT Sanger confirmed.